The following is an entry in ClinVar:

ClinVar aggregate classification (germline): Uncertain significance (1 of 4 stars; one submission).

Conditions:
Perlman syndrome (PRLMNS). Identifiers: Orphanet 2849, MedGen C0796113, MONDO:0009965, OMIM 267000.

gnomAD v4.1: 1 of 1,613,950 alleles (0.000062%); highest among the groups gnomAD compares: East Asian, 0.0022%; no homozygotes.

Submission:

Labcorp Genetics (formerly Invitae), Labcorp
Classification: Uncertain significance for Perlman syndrome. Last evaluated: 2022-03-05. Review status: criteria provided, single submitter. Criteria: Invitae Variant Classification Sherloc (09022015). Collection method: clinical testing. Allele origin: germline.
Comment: Algorithms developed to predict the effect of missense changes on protein structure and function (SIFT, PolyPhen-2, Align-GVGD) all suggest that this variant is likely to be tolerated. In summary, the available evidence is currently insufficient to determine the role of this variant in disease. Therefore, it has been classified as a Variant of Uncertain Significance. This variant has not been reported in the literature in individuals affected with DIS3L2-related conditions. This sequence change replaces threonine, which is neutral and polar, with isoleucine, which is neutral and non-polar, at codon 221 of the DIS3L2 protein (p.Thr221Ile). This variant is not present in population databases (gnomAD no frequency).

NM_152383.5(DIS3L2):c.662C>T (p.Thr221Ile)

Gene: DIS3L2 (DIS3 like 3'-5' exoribonuclease 2; plus strand). Cytogenetic location: 2q37.1.
Variant type: single nucleotide variant.
Coding change: c.662C>T on transcript NM_152383.5 (MANE Select); coding-DNA position 662, C replaced by T.
Protein change: p.Thr221Ile; replaces threonine 221 with isoleucine.
Molecular consequence: missense variant. On other transcripts: non-coding transcript variant (2).
Genome position (GRCh38, 1-based): chr2:232,130,679, C>T. VCF-style: chr2-232130679-C-T. GRCh37 (hg19) VCF-style: chr2-232995389-C-T.
Other names: c.662C>T, p.Thr221Ile (NM_001257281.2, NM_001257282.2); short protein forms T221I.
Identifiers: ClinVar variation 2150909 (VCV002150909.4), dbSNP rs201020526, ClinGen allele CA351153213.